The following is an entry in ClinVar:

ClinVar aggregate classification (germline): Uncertain significance (1 of 4 stars; one submission).

Conditions:
Gastrointestinal stromal tumor. Also called: Gastrointestinal stroma tumor; Gastrointestinal stromal tumor, somatic. Identifiers: Orphanet 44890, MedGen C0238198, MeSH D046152, MONDO:0011719, OMIM 606764, HP:0100723.

Submission:

Labcorp Genetics (formerly Invitae), Labcorp
Classification: Uncertain significance for Gastrointestinal stromal tumor. Last evaluated: 2019-03-12. Review status: criteria provided, single submitter. Criteria: Invitae Variant Classification Sherloc (09022015). Collection method: clinical testing. Allele origin: germline.
Comment: This variant is not present in population databases (ExAC no frequency). This variant has not been reported in the literature in individuals with PDGFRA-related conditions. ClinVar contains an entry for this variant (Variation ID: 528607). Algorithms developed to predict the effect of missense changes on protein structure and function (SIFT, PolyPhen-2, Align-GVGD) all suggest that this variant is likely to be disruptive, but these predictions have not been confirmed by published functional studies and their clinical significance is uncertain. In summary, the available evidence is currently insufficient to determine the role of this variant in disease. Therefore, it has been classified as a Variant of Uncertain Significance. This sequence change replaces serine with phenylalanine at codon 752 of the PDGFRA protein (p.Ser752Phe). The serine residue is highly conserved and there is a large physicochemical difference between serine and phenylalanine.

NM_006206.6(PDGFRA):c.2255C>T (p.Ser752Phe)

Gene: PDGFRA (platelet derived growth factor receptor alpha; plus strand). Cytogenetic location: 4q12.
Variant type: single nucleotide variant.
Coding change: c.2255C>T on transcript NM_006206.6 (MANE Select); coding-DNA position 2255, C replaced by T.
Protein change: p.Ser752Phe; replaces serine 752 with phenylalanine.
Molecular consequence: missense variant.
Genome position (GRCh38, 1-based): chr4:54,280,414, C>T. VCF-style: chr4-54280414-C-T. GRCh37 (hg19) VCF-style: chr4-55146581-C-T.
Other names: c.2255C>T, p.Ser752Phe (NM_001347827.2, NM_001347829.2); c.2330C>T, p.Ser777Phe (NM_001347828.2); c.2294C>T, p.Ser765Phe (NM_001347830.2); short protein forms S752F, S777F, S765F.
Identifiers: ClinVar variation 528607 (VCV000528607.11), dbSNP rs1553905300, ClinGen allele CA356894414.